The following is an entry in ClinVar:

NM_000179.3(MSH6):c.3609T>C (p.His1203=)

Gene: MSH6 (mutS homolog 6; plus strand). Cytogenetic location: 2p16.3.
Variant type: single nucleotide variant.
Coding change: c.3609T>C on transcript NM_000179.3 (MANE Select); coding-DNA position 3609, T replaced by C.
Protein change: p.His1203=; no amino-acid change (histidine 1203 retained).
Molecular consequence: synonymous variant.
Genome position (GRCh38, 1-based): chr2:47,805,670, T>C. VCF-style: chr2-47805670-T-C. GRCh37 (hg19) VCF-style: chr2-48032809-T-C.
Other names: c.3219T>C, p.His1073= (NM_001281492.2); c.2703T>C, p.His901= (NM_001281493.2, NM_001281494.2).
Identifiers: ClinVar variation 928108 (VCV000928108.9), dbSNP rs1669965072, ClinGen allele CA425997283.
Genomic context (GRCh38, chr2:47,805,670, plus strand): 5'-TTTTTAAGGTGAAAGTACATTTTTTGTTGAATTAAGTGAAACTGCCAGCATACTCATGCA[T>C]GCAACAGCACATTCTCTGGTGCTTGTGGATGAATTAGGTAAGACATTAAACTTCTCATTT-3'
Protein context (NP_000170.1, residues 1193-1213): ELSETASILM[His1203=]ATAHSLVLVD

ClinVar aggregate classification (germline): Benign/Likely benign. Review status: criteria provided, multiple submitters, no conflicts (2 of 4 stars). 5 submissions from 5 submitters: Benign (1); Likely benign (4). Last evaluated 2025-06-10.

Conditions:
Hereditary cancer-predisposing syndrome. Also called: Neoplastic Syndromes, Hereditary; Hereditary Cancer Syndrome; Tumor predisposition; Hereditary neoplastic syndrome. Identifiers: Orphanet 140162, MedGen C0027672, MeSH D009386, MONDO:0015356.
Lynch syndrome 5 (LYNCH5). Also called: Colorectal cancer, hereditary nonpolyposis, type 5; Hereditary non-polyposis colorectal cancer, type 5. Identifiers: Orphanet 144, MedGen C1833477, MONDO:0013710, OMIM 614350. Disease mechanism: loss of function.
Hereditary nonpolyposis colorectal neoplasms. Identifiers: MedGen C0009405, MeSH D003123.

Submissions (5):

Labcorp Genetics (formerly Invitae), Labcorp
Classification: Likely benign for Hereditary nonpolyposis colorectal neoplasms. Last evaluated: 2025-06-10. Review status: criteria provided, single submitter. Criteria: Invitae Variant Classification Sherloc (09022015). Collection method: clinical testing. Allele origin: germline.

Myriad Genetics, Inc.
Classification: Benign for Lynch syndrome 5. Last evaluated: 2025-01-07. Review status: criteria provided, single submitter. Criteria: Myriad Autosomal Dominant, Autosomal Recessive and X-Linked Classification Criteria (2023). Collection method: clinical testing. Allele origin: unknown.
Comment: This variant is considered benign. This variant is a silent/synonymous amino acid change and it is not expected to impact splicing.

Ambry Genetics
Classification: Likely benign for Hereditary cancer-predisposing syndrome. Last evaluated: 2022-08-12. Review status: criteria provided, single submitter. Criteria: Ambry Variant Classification Scheme 2023. Collection method: clinical testing. Allele origin: germline.

Women's Health and Genetics/Laboratory Corporation of America, LabCorp
Classification: Likely benign. Last evaluated: 2020-07-29. Review status: criteria provided, single submitter. Criteria: LabCorp Variant Classification Summary - May 2015. Collection method: clinical testing. Allele origin: germline.
Comment: Variant summary: MSH6 c.3609T>C alters a non-conserved nucleotide resulting in a synonymous change. 4/4 computational tools predict no significant impact on normal splicing. However, these predictions have yet to be confirmed by functional studies. The variant was absent in 251442 control chromosomes (gnomAD). The available data on variant occurrences in the general population are insufficient to allow any conclusion about variant significance. To our knowledge, no occurrence of c.3609T>C in individuals affected with Hereditary Nonpolyposis Colorectal Cancer and no experimental evidence demonstrating its impact on protein function have been reported. One ClinVar submitter (evaluation after 2014) cites the variant as likely benign. Based on the evidence outlined above, the variant was classified as likely benign.

Color Diagnostics, LLC DBA Color Health
Classification: Likely benign for Hereditary cancer-predisposing syndrome. Last evaluated: 2020-01-13. Review status: criteria provided, single submitter. Criteria: ACMG Guidelines, 2015. Collection method: clinical testing. Allele origin: germline.